The following is an entry in ClinVar:

ClinVar aggregate classification (germline): Uncertain significance (1 of 4 stars; one submission).

Conditions:
Cardiomyopathy (CMYO). Also called: Cardiomyopathies. Identifiers: Orphanet 167848, MedGen C0878544, MONDO:0004994, HP:0001638. Inheritance: Various modes of inheritance.

Submission:

Color Diagnostics, LLC DBA Color Health
Classification: Uncertain significance for Cardiomyopathy. Last evaluated: 2025-08-30. Review status: criteria provided, single submitter. Criteria: ACMG Guidelines, 2015. Collection method: clinical testing. Allele origin: germline.
Comment: This missense variant replaces histidine with proline at codon 3034 of the RYR2 protein. Computational prediction suggests that this variant may not impact protein structure and function. To our knowledge, functional studies have not been reported for this variant. This variant has not been reported in individuals affected with RYR2-related disorders in the literature. This variant has not been identified in the general population by the Genome Aggregation Database (gnomAD). The available evidence is insufficient to determine the role of this variant in disease conclusively. Therefore, this variant is classified as a Variant of Uncertain Significance.

NM_001035.3(RYR2):c.9101A>C (p.His3034Pro)

Gene: RYR2 (ryanodine receptor 2; plus strand). Cytogenetic location: 1q43.
Variant type: single nucleotide variant.
Coding change: c.9101A>C on transcript NM_001035.3 (MANE Select); coding-DNA position 9101, A replaced by C.
Protein change: p.His3034Pro; replaces histidine 3034 with proline.
Molecular consequence: missense variant.
Genome position (GRCh38, 1-based): chr1:237,698,998, A>C. VCF-style: chr1-237698998-A-C. GRCh37 (hg19) VCF-style: chr1-237862298-A-C.
Other names: short protein forms H3034P.
Identifiers: ClinVar variation 4757988 (VCV004757988.1).